The following is an entry in ClinVar:

NM_005120.3(MED12):c.5953G>A (p.Val1985Ile)

Gene: MED12 (mediator complex subunit 12; plus strand). Cytogenetic location: Xq13.1.
Variant type: single nucleotide variant.
Coding change: c.5953G>A on transcript NM_005120.3 (MANE Select); coding-DNA position 5953, G replaced by A.
Protein change: p.Val1985Ile; replaces valine 1985 with isoleucine.
Molecular consequence: missense variant.
Genome position (GRCh38, 1-based): chrX:71,137,852, G>A. VCF-style: chrX-71137852-G-A. GRCh37 (hg19) VCF-style: chrX-70357702-G-A.
Other names: short protein forms V1985I.
Identifiers: ClinVar variation 3224594 (VCV003224594.3), dbSNP rs2519715718, ClinGen allele CA413539410.

ClinVar aggregate classification (germline): Uncertain significance. Review status: criteria provided, multiple submitters, no conflicts (2 of 4 stars). 2 submissions from 2 submitters: Uncertain significance (2). Last evaluated 2024-04-02.

Conditions:
Familial thoracic aortic aneurysm and aortic dissection (TAAD). Also called: Thoracic aortic aneurysms and dissections. Identifiers: Orphanet 91387, MedGen C4707243, MONDO:0019625.
FG syndrome (FGS). Identifiers: MedGen C0220769, MONDO:0002010.

Submissions (2):

Labcorp Genetics (formerly Invitae), Labcorp
Classification: Uncertain significance for FG syndrome. Last evaluated: 2024-04-02. Review status: criteria provided, single submitter. Criteria: Invitae Variant Classification Sherloc (09022015). Collection method: clinical testing. Allele origin: germline.
Comment: This sequence change replaces valine, which is neutral and non-polar, with isoleucine, which is neutral and non-polar, at codon 1985 of the MED12 protein (p.Val1985Ile). This variant is not present in population databases (gnomAD no frequency). This variant has not been reported in the literature in individuals affected with MED12-related conditions. Algorithms developed to predict the effect of missense changes on protein structure and function output the following: SIFT: "Not Available"; PolyPhen-2: "Probably Damaging"; Align-GVGD: "Not Available". The isoleucine amino acid residue is found in multiple mammalian species, which suggests that this missense change does not adversely affect protein function. In summary, the available evidence is currently insufficient to determine the role of this variant in disease. Therefore, it has been classified as a Variant of Uncertain Significance.

Ambry Genetics
Classification: Uncertain significance for Familial thoracic aortic aneurysm and aortic dissection. Last evaluated: 2023-12-31. Review status: criteria provided, single submitter. Criteria: Ambry Variant Classification Scheme 2023. Collection method: clinical testing. Allele origin: germline.
Comment: The p.V1985I variant (also known as c.5953G>A), located in coding exon 41 of the MED12 gene, results from a G to A substitution at nucleotide position 5953. The valine at codon 1985 is replaced by isoleucine, an amino acid with highly similar properties. This amino acid position is conserved. In addition, this alteration is predicted to be tolerated by in silico analysis. Since supporting evidence is limited at this time, the clinical significance of this alteration remains unclear.